The following is an entry in ClinVar:

NM_001267550.2(TTN):c.78511G>A (p.Ala26171Thr)

Genes: TTN (titin; minus strand), TTN-AS1 (TTN antisense RNA 1; plus strand). Cytogenetic location: 2q31.2.
Variant type: single nucleotide variant.
Coding change: c.78511G>A on transcript NM_001267550.2 (MANE Select); coding-DNA position 78511, G replaced by A.
Protein change: p.Ala26171Thr; replaces alanine 26171 with threonine.
Molecular consequence: missense variant.
Genome position (GRCh38, 1-based): chr2:178,567,621, C>T on the plus strand (G>A on the coding strand, the complement: TTN is on the minus strand). VCF-style: chr2-178567621-C-T. GRCh37 (hg19) VCF-style: chr2-179432348-C-T.
Other names: c.73588G>A, p.Ala24530Thr (NM_001256850.1); c.51316G>A, p.Ala17106Thr (NM_003319.4); c.70807G>A, p.Ala23603Thr (NM_133378.4); c.51691G>A, p.Ala17231Thr (NM_133432.3); c.51892G>A, p.Ala17298Thr (NM_133437.4); short protein forms A17106T, A23603T, A17231T, A24530T, A26171T, A17298T.
Identifiers: ClinVar variation 3571877 (VCV003571877.4).

ClinVar aggregate classification (germline): Uncertain significance. Review status: criteria provided, multiple submitters, no conflicts (2 of 4 stars). 2 submissions from 2 submitters: Uncertain significance (2). Last evaluated 2026-05-06.

gnomAD v4.1: 3 of 1,611,844 alleles (0.00019%); highest among the groups gnomAD compares: Admixed American, 0.0017%; no homozygotes.

Submissions (2):

GeneDx
Classification: Uncertain significance. Last evaluated: 2026-05-06. Review status: criteria provided, single submitter. Criteria: GeneDx Variant Classification Process June 2021. Collection method: clinical testing. Allele origin: germline.
Comment: Not observed at significant frequency in large population cohorts (gnomAD); Missense variant in a gene in which most reported pathogenic variants are truncating/loss of function; Has not been previously published as pathogenic or benign to our knowledge

Athena Diagnostics
Classification: Uncertain significance. Last evaluated: 2024-12-03. Review status: criteria provided, single submitter. Criteria: Athena Diagnostics Criteria. Collection method: clinical testing. Allele origin: unknown.
Comment: Available data are insufficient to determine the clinical significance of the variant at this time. The frequency of this variant in the general population is uninformative in assessment of its pathogenicity. Polyphen and MutationTaster predict this amino acid change may be benign.